The following is an entry in ClinVar:

NM_000112.4(SLC26A2):c.2164T>C (p.Ser722Pro)

Gene: SLC26A2 (solute carrier family 26 member 2; plus strand). Cytogenetic location: 5q32.
Variant type: single nucleotide variant.
Coding change: c.2164T>C on transcript NM_000112.4 (MANE Select); coding-DNA position 2164, T replaced by C.
Protein change: p.Ser722Pro; replaces serine 722 with proline.
Molecular consequence: missense variant.
Genome position (GRCh38, 1-based): chr5:149,981,757, T>C. VCF-style: chr5-149981757-T-C. GRCh37 (hg19) VCF-style: chr5-149361320-T-C.
Other names: short protein forms S722P.
Identifiers: ClinVar variation 651134 (VCV000651134.4), dbSNP rs565149029, ClinGen allele CA3505564.

ClinVar aggregate classification (germline): Uncertain significance. Review status: criteria provided, single submitter (1 of 4 stars). 2 submissions from 2 submitters: Uncertain significance (1). 1 of the submissions does not count toward it. Last evaluated 2022-07-21.

Conditions:
Achondrogenesis, type IB (ACG1B). Also called: Achondrogenesis Type 1B. Identifiers: Orphanet 932, Orphanet 93298, MedGen C0265274, MONDO:0010966, OMIM 600972.
Multiple epiphyseal dysplasia type 4 (EDM4). Also called: Multiple Epiphyseal Dysplasia, Recessive; SLC26A2-Related Multiple Epiphyseal Dysplasia; MULTIPLE EPIPHYSEAL DYSPLASIA WITH BILAYERED PATELLAE; MULTIPLE EPIPHYSEAL DYSPLASIA WITH CLUBFOOT; MULTIPLE EPIPHYSEAL DYSPLASIA, AUTOSOMAL RECESSIVE. Identifiers: Orphanet 93307, MedGen C1847593, MONDO:0009189, OMIM 226900.
Diastrophic dysplasia (DTD). Also called: Diastrophic dwarfism. Identifiers: Orphanet 628, MedGen C0220726, MONDO:0009107, OMIM 222600.
Atelosteogenesis type II (AO2). Also called: Neonatal osseous dysplasia 1; SLC26A2-Related Atelosteogenesis; NEONATAL OSSEOUS DYSPLASIA I. Identifiers: Orphanet 56304, MedGen C1850554, MONDO:0009727, OMIM 256050.

Allele frequency attached by ClinVar (database versions not stated): ExAC 0.00001; gnomAD 0.00001; gnomAD exomes 0.00001 and 0.00003; TOPMed 0.00005; 1000 Genomes Project 30x 0.00016; 1000 Genomes Project 0.00020.
gnomAD v4.1: 15 of 1,611,580 alleles (0.00093%); highest among the groups gnomAD compares: Admixed American, 0.017%; no homozygotes.

Submissions (2):

Labcorp Genetics (formerly Invitae), Labcorp
Classification: Uncertain significance for Atelosteogenesis type II; Multiple epiphyseal dysplasia type 4; Achondrogenesis, type IB; Diastrophic dysplasia. Last evaluated: 2022-07-21. Review status: criteria provided, single submitter. Criteria: Invitae Variant Classification Sherloc (09022015). Collection method: clinical testing. Allele origin: germline.
Comment: This sequence change replaces serine, which is neutral and polar, with proline, which is neutral and non-polar, at codon 722 of the SLC26A2 protein (p.Ser722Pro). This variant is present in population databases (rs565149029, gnomAD 0.02%). This variant has not been reported in the literature in individuals affected with SLC26A2-related conditions. ClinVar contains an entry for this variant (Variation ID: 651134). Advanced modeling of protein sequence and biophysical properties (such as structural, functional, and spatial information, amino acid conservation, physicochemical variation, residue mobility, and thermodynamic stability) performed at Invitae indicates that this missense variant is not expected to disrupt SLC26A2 protein function. In summary, the available evidence is currently insufficient to determine the role of this variant in disease. Therefore, it has been classified as a Variant of Uncertain Significance.

Natera, Inc.
Classification: Uncertain significance for Achondrogenesis type IB. Last evaluated: 2020-01-02. Review status: no assertion criteria provided. Collection method: clinical testing. Allele origin: germline. Not counted in ClinVar's aggregate classification.